The following is an entry in ClinVar:

ClinVar aggregate classification (germline): Conflicting classifications of pathogenicity. Review status: criteria provided, conflicting classifications (1 of 4 stars). 3 submissions from 3 submitters: Uncertain significance (2); Likely benign (1). Last evaluated 2025-01-11.

Conditions:
Inborn genetic diseases. Identifiers: MedGen C0950123, MeSH D030342.
Baller-Gerold syndrome (BGS). Also called: CRANIOSYNOSTOSIS WITH RADIAL DEFECTS. Identifiers: Orphanet 1225, MedGen C0265308, MONDO:0009039, OMIM 218600.

Allele frequency attached by ClinVar (database versions not stated): gnomAD exomes below 0.00001; TOPMed 0.00001.

Submissions (3):

Ambry Genetics
Classification: Likely benign for Inborn genetic diseases. Last evaluated: 2025-01-11. Review status: criteria provided, single submitter. Criteria: Ambry Variant Classification Scheme 2023. Collection method: clinical testing. Allele origin: germline.

Revvity Omics, Revvity
Classification: Uncertain significance. Last evaluated: 2024-09-01. Review status: criteria provided, single submitter. Criteria: ACMG Guidelines, 2015. Collection method: clinical testing. Allele origin: germline.

Labcorp Genetics (formerly Invitae), Labcorp
Classification: Uncertain significance for Baller-Gerold syndrome. Last evaluated: 2023-09-13. Review status: criteria provided, single submitter. Criteria: Invitae Variant Classification Sherloc (09022015). Collection method: clinical testing. Allele origin: germline.
Comment: In summary, the available evidence is currently insufficient to determine the role of this variant in disease. Therefore, it has been classified as a Variant of Uncertain Significance. Advanced modeling of protein sequence and biophysical properties (such as structural, functional, and spatial information, amino acid conservation, physicochemical variation, residue mobility, and thermodynamic stability) performed at Invitae indicates that this missense variant is not expected to disrupt RECQL4 protein function. ClinVar contains an entry for this variant (Variation ID: 660965). This variant has not been reported in the literature in individuals affected with RECQL4-related conditions. This variant is present in population databases (no rsID available, gnomAD 0.003%). This sequence change replaces arginine, which is basic and polar, with lysine, which is basic and polar, at codon 559 of the RECQL4 protein (p.Arg559Lys).

NM_004260.4(RECQL4):c.1676G>A (p.Arg559Lys)

Gene: RECQL4 (RecQ like helicase 4; minus strand). Cytogenetic location: 8q24.3.
Variant type: single nucleotide variant.
Coding change: c.1676G>A on transcript NM_004260.4 (MANE Select); coding-DNA position 1676, G replaced by A.
Protein change: p.Arg559Lys; replaces arginine 559 with lysine.
Molecular consequence: missense variant.
Genome position (GRCh38, 1-based): chr8:144,514,470, C>T on the plus strand (G>A on the coding strand, the complement: RECQL4 is on the minus strand). VCF-style: chr8-144514470-C-T. GRCh37 (hg19) VCF-style: chr8-145739854-C-T.
Other names: short protein forms R559K.
Identifiers: ClinVar variation 660965 (VCV000660965.10), dbSNP rs1324762406, ClinGen allele CA372681663.